The following is an entry in ClinVar:

ClinVar aggregate classification (germline): Uncertain significance. Review status: reviewed by expert panel (3 of 4 stars). 6 submissions from 6 submitters: Uncertain significance (1). 5 of the submissions do not count toward it. Last evaluated 2019-04-29.

Conditions:
Nonsyndromic genetic hearing loss. Also called: Nonsyndromic genetic deafness; Nonsyndromic hearing loss and deafness; Non-syndromic genetic deafness. Identifiers: Orphanet 87884, MedGen C5680182, MONDO:0019497.
Autosomal recessive nonsyndromic hearing loss 1A (DFNB1A). Also called: Connexin 26 deafness; Deafness nonsyndromic, Connexin 26 linked; GJB6-Related DFNB 1 Nonsyndromic Hearing Loss and Deafness; Deafness, autosomal recessive 1A; GJB2-Related Autosomal Recessive Nonsyndromic Hearing Loss; Nonsyndromic Hearing Loss and Deafness, DFNB1. Identifiers: Orphanet 90636, MedGen C2673759, MONDO:0009076, OMIM 220290.
Hearing impairment. Also called: Impaired Hearing. Identifiers: MedGen C1384666, MONDO:0005365, HP:0000365.

Allele frequency attached by ClinVar (database versions not stated): gnomAD exomes below 0.00001 and 0.00001; TOPMed 0.00001; ExAC 0.00002; gnomAD 0.00003 and 0.00004.

Submissions (6):

ClinGen Hearing Loss Variant Curation Expert Panel
Classification: Uncertain significance for Nonsyndromic genetic hearing loss. Last evaluated: 2019-04-29. Review status: reviewed by expert panel. Criteria: ClinGen HL ACMG Specifications v1. Collection method: curation. Allele origin: germline. Inheritance: Autosomal recessive inheritance.
Comment: The allele frequency of the p.Leu36Pro variant in the GJB2 gene is 0.01% (2/19954) of East Asian chromosomes by gnomAD, which is a low enough frequency to apply PM2_Supporting based on the thresholds defined by the ClinGen Hearing Loss Expert Panel for autosomal recessive hearing loss (PM2_Supporting). The REVEL computational prediction analysis tool produced a score of 0.945, which is above the threshold necessary to apply PP3. This variant has been detected in one patient with hearing loss in trans with 35delG (PM3; PMID:16125251). The variant has also been reported in three individuals with no pathogenic variant found in trans (PMIDs: 17666888, 26043044). In summary, the clinical significance of this variant is uncertain. ACMG/AMP criteria applied, as specified by the Hearing Loss Expert Panel: PM2_Supporting, PP3, PM3.

Women's Health and Genetics/Laboratory Corporation of America, LabCorp
Classification: Pathogenic for Nonsyndromic genetic hearing loss. Last evaluated: 2025-12-24. Review status: criteria provided, single submitter. Criteria: LabCorp Variant Classification Summary - May 2015. Collection method: clinical testing. Allele origin: germline. Not counted in ClinVar's aggregate classification.
Comment: Variant summary: GJB2 c.107T>C (p.Leu36Pro) results in a non-conservative amino acid change in the encoded protein sequence. Algorithms developed to predict the effect of missense changes on protein structure and function all suggest that this variant is likely to be disruptive. The variant allele was found at a frequency of 8e-06 in 250874 control chromosomes. c.107T>C has been observed in individual(s) affected with Non-Syndromic Hearing Loss. These data indicate that the variant is likely to be associated with disease. To our knowledge, no experimental evidence demonstrating an impact on protein function has been reported. The following publications have been ascertained in the context of this evaluation (PMID: 17146393, 17666888, 29605365, 31992338). ClinVar contains an entry for this variant (Variation ID: 158604). Based on the evidence outlined above, the variant was classified as pathogenic.

Natera, Inc.
Classification: Likely pathogenic for Autosomal recessive deafness type 1A. Last evaluated: 2025-07-18. Review status: criteria provided, single submitter. Criteria: Natera Variant Classification Schema (03/2026). Collection method: clinical testing. Allele origin: germline. Not counted in ClinVar's aggregate classification.
Comment: The c.107T>C variant in GJB2 is a missense variant predicted to cause substitution of leucine to proline at amino acid 36. This variant is rare in the general population with a frequency below the threshold expected for the associated phenotype(s). This variant has been observed in one or more individuals affected with the associated recessive disease, as either homozygous or compound heterozygous with a second variant (PMID: 16125251, 31246659, 31992338). Computational prediction algorithms indicate this variant is likely to affect gene or protein function. Given the available evidence, this variant is classified as Likely Pathogenic.

Labcorp Genetics (formerly Invitae), Labcorp
Classification: Pathogenic. Last evaluated: 2025-03-19. Review status: criteria provided, single submitter. Criteria: Invitae Variant Classification Sherloc (09022015). Collection method: clinical testing. Allele origin: germline. Not counted in ClinVar's aggregate classification.
Comment: This sequence change replaces leucine, which is neutral and non-polar, with proline, which is neutral and non-polar, at codon 36 of the GJB2 protein (p.Leu36Pro). This variant is present in population databases (rs587783644, gnomAD 0.01%). This missense change has been observed in individual(s) with autosomal recessive nonsyndromic hearing loss (PMID: 16467727, 17666888, 26043044, 29605365, 31581539). In at least one individual the data is consistent with being in trans (on the opposite chromosome) from a pathogenic variant. ClinVar contains an entry for this variant (Variation ID: 158604). Invitae Evidence Modeling of protein sequence and biophysical properties (such as structural, functional, and spatial information, amino acid conservation, physicochemical variation, residue mobility, and thermodynamic stability) indicates that this missense variant is expected to disrupt GJB2 protein function with a positive predictive value of 95%. For these reasons, this variant has been classified as Pathogenic.

Athena Diagnostics
Classification: Uncertain significance. Last evaluated: 2017-04-24. Review status: criteria provided, single submitter. Criteria: Athena Diagnostics Criteria. Collection method: clinical testing. Allele origin: germline. Not counted in ClinVar's aggregate classification.

Genetic Services Laboratory, University of Chicago
Classification: Pathogenic for Hearing impairment. Last evaluated: 2013-02-08. Review status: criteria provided, single submitter. Criteria: ACMG Guidelines, 2007. Collection method: clinical testing. Allele origin: germline. Inheritance: Autosomal recessive inheritance. Affected: yes. Not counted in ClinVar's aggregate classification.

Literature cited by the submitters: PubMed 16125251 (cited by 3 submitters); PubMed 26043044 (cited by 3 submitters); PubMed 17666888 (cited by 4 submitters); PubMed 31992338 (cited by Women's Health and Genetics/Laboratory Corporation of America, LabCorp and Natera, Inc.); PubMed 29605365 (cited by Women's Health and Genetics/Laboratory Corporation of America, LabCorp and Labcorp Genetics (formerly Invitae), Labcorp); PubMed 17146393 (cited by Women's Health and Genetics/Laboratory Corporation of America, LabCorp); PubMed 31246659 (cited by Natera, Inc.); PubMed 16467727 (cited by Labcorp Genetics (formerly Invitae), Labcorp and Athena Diagnostics); PubMed 31581539 (cited by Labcorp Genetics (formerly Invitae), Labcorp).

NM_004004.6(GJB2):c.107T>C (p.Leu36Pro)

Gene: GJB2 (gap junction protein beta 2; minus strand). Cytogenetic location: 13q12.11.
Variant type: single nucleotide variant.
Coding change: c.107T>C on transcript NM_004004.6 (MANE Select); coding-DNA position 107, T replaced by C.
Protein change: p.Leu36Pro; replaces leucine 36 with proline.
Molecular consequence: missense variant.
Genome position (GRCh38, 1-based): chr13:20,189,475, A>G on the plus strand (T>C on the coding strand, the complement: GJB2 is on the minus strand). VCF-style: chr13-20189475-A-G. GRCh37 (hg19) VCF-style: chr13-20763614-A-G.
Other names: NM_004004.5(GJB2):c.107T>C; short protein forms L36P.
Identifiers: ClinVar variation 158604 (VCV000158604.16), dbSNP rs587783644, ClinGen allele CA172208.